The following is an entry in ClinVar:

ClinVar aggregate classification (germline): Benign. Review status: criteria provided, multiple submitters, no conflicts (2 of 4 stars). 4 submissions from 4 submitters: Benign (3). 1 of the submissions does not count toward it. Last evaluated 2024-02-19.

Conditions:
JAG2-related disorder. Also called: JAG2-related condition.

Allele frequency attached by ClinVar (database versions not stated): ExAC 0.00466; gnomAD 0.01096 and 0.01180; gnomAD exomes 0.00122 and 0.00285; TOPMed 0.01263; 1000 Genomes Project 30x 0.01562; ESP Exome Variant Server 0.01108; 1000 Genomes Project 0.01478.

Submissions (4):

Mayo Clinic Laboratories, Mayo Clinic
Classification: Benign. Last evaluated: 2024-02-19. Review status: criteria provided, single submitter. Criteria: ACMG Guidelines, 2015. Collection method: clinical testing. Allele origin: germline. Observed: 5 variant alleles.
Comment: BS1, BS2, BP4, BP7

Labcorp Genetics (formerly Invitae), Labcorp
Classification: Benign. Last evaluated: 2019-12-31. Review status: criteria provided, single submitter. Criteria: Invitae Variant Classification Sherloc (09022015). Collection method: clinical testing. Allele origin: germline.

Breakthrough Genomics
Classification: Benign. Review status: criteria provided, single submitter. Criteria: ACMG Guidelines, 2015. Collection method: not provided. Allele origin: germline. Inheritance: Autosomal recessive inheritance. Affected: yes.

PreventionGenetics, part of Exact Sciences
Classification: Benign for JAG2-related condition. Last evaluated: 2019-04-30. Review status: no assertion criteria provided. Collection method: clinical testing. Allele origin: germline. Not counted in ClinVar's aggregate classification.
Comment: This variant is classified as benign based on ACMG/AMP sequence variant interpretation guidelines (Richards et al. 2015 PMID: 25741868, with internal and published modifications).

NM_002226.5(JAG2):c.1107C>T (p.Phe369=)

Gene: JAG2 (jagged canonical Notch ligand 2; minus strand). Cytogenetic location: 14q32.33.
Variant type: single nucleotide variant.
Coding change: c.1107C>T on transcript NM_002226.5 (MANE Select); coding-DNA position 1107, C replaced by T.
Protein change: p.Phe369=; no amino-acid change (phenylalanine 369 retained).
Molecular consequence: synonymous variant.
Genome position (GRCh38, 1-based): chr14:105,151,672, G>A on the plus strand (C>T on the coding strand, the complement: JAG2 is on the minus strand). VCF-style: chr14-105151672-G-A. GRCh37 (hg19) VCF-style: chr14-105618009-G-A.
Other names: p.Phe369=; c.1107C>T, p.Phe369= (NM_145159.3).
Identifiers: ClinVar variation 713522 (VCV000713522.8), dbSNP rs35006456, ClinGen allele CA7386187.
Genomic context (GRCh38, chr14:105,151,672, plus strand): 5'-GTGCAGACACTCACCAAGGGCACAGGTGGGCCCGCTCCAGCCCGATGGGCAGTGGCATTC[G>A]AAGCCGGACGGCACCTCATGGCAAGAGCCCCCGTTGGCACACGGGTTGGAGGTGCAGGCG-3'
Protein context (NP_002217.3, residues 359-379): GGSCHEVPSG[Phe369=]ECHCPSGWSG